The following is an entry in ClinVar:

NM_001352186.2(ANKS1B):c.2043C>T (p.Leu681=)

Gene: ANKS1B (ankyrin repeat and sterile alpha motif domain containing 1B; minus strand). Cytogenetic location: 12q23.1.
Variant type: single nucleotide variant.
Coding change: c.2043C>T on transcript NM_001352186.2 (MANE Select); coding-DNA position 2043, C replaced by T.
Protein change: p.Leu681=; no amino-acid change (leucine 681 retained).
Molecular consequence: synonymous variant.
Genome position (GRCh38, 1-based): chr12:99,246,578, G>A on the plus strand (C>T on the coding strand, the complement: ANKS1B is on the minus strand). VCF-style: chr12-99246578-G-A. GRCh37 (hg19) VCF-style: chr12-99640356-G-A.
Other names: c.2043C>T, p.Leu681= (NM_001352185.1, NM_001352187.1, NM_001352188.1 and 1 more transcripts).
Identifiers: ClinVar variation 773264 (VCV000773264.27), dbSNP rs185927825, ClinGen allele CA6735149.

ClinVar aggregate classification (germline): Likely benign. Review status: criteria provided, multiple submitters, no conflicts (2 of 4 stars). 2 submissions from 2 submitters: Likely benign (2). Last evaluated 2022-11-01.

Allele frequency attached by ClinVar (database versions not stated): 1000 Genomes Project 30x 0.00094; 1000 Genomes Project 0.00120; ExAC 0.00123; gnomAD 0.00136 and 0.00174; gnomAD exomes 0.00138 and 0.00192; ESP Exome Variant Server 0.00177; TOPMed 0.00189.
gnomAD v4.1: 3,020 of 1,613,662 alleles (0.19%); highest among the groups gnomAD compares: Non-Finnish European, 0.22%; 3 homozygotes.

Submissions (2):

CeGaT Center for Human Genetics Tuebingen
Classification: Likely benign. Last evaluated: 2022-11-01. Review status: criteria provided, single submitter. Criteria: CeGaT Center For Human Genetics Tuebingen Variant Classification Criteria Version 2. Collection method: clinical testing. Allele origin: germline. Affected: yes. Observed: 1 variant allele.
Comment: ANKS1B: BP4, BP7

Labcorp Genetics (formerly Invitae), Labcorp
Classification: Likely benign. Last evaluated: 2018-11-06. Review status: criteria provided, single submitter. Criteria: Invitae Variant Classification Sherloc (09022015). Collection method: clinical testing. Allele origin: germline.